The following is an entry in ClinVar:

NM_002435.3(MPI):c.345+15_345+16delinsAT

Gene: MPI (mannose phosphate isomerase; plus strand). Cytogenetic location: 15q24.1.
Variant type: Indel.
Coding change: c.345+15_345+16delinsAT on transcript NM_002435.3 (MANE Select); bases 15 to 16 of the intron after coding-DNA position 345, GC replaced by AT.
Molecular consequence: intron variant.
Genome position (GRCh38, 1-based): chr15:74,891,594-74,891,595, GC replaced by AT. VCF-style: chr15-74891594-GC-AT. GRCh37 (hg19) VCF-style: chr15-75183935-GC-AT.
Other names: c.285+15_285+16delinsAT (NM_001330372.2); c.345+15_345+16delinsAT (NM_001289155.2, NM_001289157.2); c.195+15_195+16delinsAT (NM_001289156.2).
Identifiers: ClinVar variation 420435 (VCV000420435.10), dbSNP rs1064794476, ClinGen allele CA16620008.

ClinVar aggregate classification (germline): Likely benign. Review status: criteria provided, multiple submitters, no conflicts (2 of 4 stars). 3 submissions from 3 submitters: Likely benign (3). Last evaluated 2026-02-02.

Conditions:
MPI-congenital disorder of glycosylation. Also called: MPI-CDG; MANNOSEPHOSPHATE ISOMERASE DEFICIENCY; CDG Ib; PROTEIN-LOSING ENTEROPATHY-HEPATIC FIBROSIS SYNDROME; CONGENITAL DISORDER OF GLYCOSYLATION, TYPE Ib; MPI DEFICIENCY. Identifiers: Orphanet 79319, MedGen C1865145, MONDO:0011257, OMIM 602579.

Submissions (3):

Labcorp Genetics (formerly Invitae), Labcorp
Classification: Likely benign for MPI-congenital disorder of glycosylation. Last evaluated: 2026-02-02. Review status: criteria provided, single submitter. Criteria: Invitae Variant Classification Sherloc (09022015). Collection method: clinical testing. Allele origin: germline.

Fulgent Genetics
Classification: Likely benign for MPI-congenital disorder of glycosylation. Last evaluated: 2021-08-11. Review status: criteria provided, single submitter. Criteria: ACMG Guidelines, 2015. Collection method: clinical testing. Allele origin: unknown.

GeneDx
Classification: Likely benign. Last evaluated: 2016-01-26. Review status: criteria provided, single submitter. Criteria: GeneDx Variant Classification (06012015). Collection method: clinical testing. Allele origin: germline. Affected: yes.
Comment: This variant is considered likely benign or benign based on one or more of the following criteria: it is a conservative change, it occurs at a poorly conserved position in the protein, it is predicted to be benign by multiple in silico algorithms, and/or has population frequency not consistent with disease.